The following is an entry in ClinVar:

ClinVar aggregate classification (germline): Uncertain significance (1 of 4 stars; one submission).

Submission:

Labcorp Genetics (formerly Invitae), Labcorp
Classification: Uncertain significance. Last evaluated: 2024-08-05. Review status: criteria provided, single submitter. Criteria: Invitae Variant Classification Sherloc (09022015). Collection method: clinical testing. Allele origin: germline.
Comment: This sequence change falls in intron 1 of the A2ML1 gene. It does not directly change the encoded amino acid sequence of the A2ML1 protein. This variant is present in population databases (rs770708682, gnomAD 0.0009%). This variant has not been reported in the literature in individuals affected with A2ML1-related conditions. Algorithms developed to predict the effect of sequence changes on RNA splicing suggest that this variant may disrupt the consensus splice site. In summary, the available evidence is currently insufficient to determine the role of this variant in disease. Therefore, it has been classified as a Variant of Uncertain Significance.

NM_144670.6(A2ML1):c.63-16_63-14del

Genes: A2ML1 (alpha-2-macroglobulin like 1; plus strand), A2ML1-AS1 (A2ML1 antisense RNA 1; minus strand). Cytogenetic location: 12p13.31.
Variant type: Deletion.
Coding change: c.63-16_63-14del on transcript NM_144670.6 (MANE Select); 16 bases into the intron before coding-DNA position 63 through 14 bases into the intron before coding-DNA position 63, 3 bases deleted (TCT; older notation c.63-16_63-14delTCT).
Molecular consequence: intron variant.
Genome position (GRCh38, 1-based): chr12:8,823,166-8,823,168, TCT deleted; deleting any 3 consecutive bases within chr12:8,823,164-8,823,168 gives the same sequence; the c. name uses the placement nearest the transcript's 3' end. VCF-style (leftmost placement, unchanged base first): chr12-8823163-CCTT-C. GRCh37 (hg19) VCF-style: chr12-8975759-CCTT-C.
Identifiers: ClinVar variation 3712060 (VCV003712060.2).